The following is an entry in ClinVar:

ClinVar aggregate classification (germline): Uncertain significance (1 of 4 stars; one submission).

Submission:

Labcorp Genetics (formerly Invitae), Labcorp
Classification: Uncertain significance. Last evaluated: 2024-09-28. Review status: criteria provided, single submitter. Criteria: Invitae Variant Classification Sherloc (09022015). Collection method: clinical testing. Allele origin: germline.
Comment: This sequence change replaces leucine, which is neutral and non-polar, with phenylalanine, which is neutral and non-polar, at codon 87 of the KLHL7 protein (p.Leu87Phe). This variant is not present in population databases (gnomAD no frequency). This variant has not been reported in the literature in individuals affected with KLHL7-related conditions. ClinVar contains an entry for this variant (Variation ID: 1375923). An algorithm developed to predict the effect of missense changes on protein structure and function (PolyPhen-2) suggests that this variant is likely to be disruptive. In summary, the available evidence is currently insufficient to determine the role of this variant in disease. Therefore, it has been classified as a Variant of Uncertain Significance.

NM_001031710.3(KLHL7):c.259C>T (p.Leu87Phe)

Gene: KLHL7 (kelch like family member 7; plus strand). Cytogenetic location: 7p15.3.
Variant type: single nucleotide variant.
Coding change: c.259C>T on transcript NM_001031710.3 (MANE Select); coding-DNA position 259, C replaced by T.
Protein change: p.Leu87Phe; replaces leucine 87 with phenylalanine.
Molecular consequence: missense variant. On other transcripts: non-coding transcript variant (2).
Genome position (GRCh38, 1-based): chr7:23,124,723, C>T. VCF-style: chr7-23124723-C-T. GRCh37 (hg19) VCF-style: chr7-23164342-C-T.
Other names: c.259C>T, p.Leu87Phe (NM_001172428.2); c.115C>T, p.Leu39Phe (NM_018846.5); short protein forms L39F, L87F.
Identifiers: ClinVar variation 1375923 (VCV001375923.8), dbSNP rs2128460337, ClinGen allele CA366975349.